The following is an entry in ClinVar:

ClinVar aggregate classification (germline): Uncertain significance. Review status: criteria provided, multiple submitters, no conflicts (2 of 4 stars). 2 submissions from 2 submitters: Uncertain significance (2). Last evaluated 2024-05-15.

Conditions:
Lafora disease. Also called: Epilepsy progressive myoclonic 2. Identifiers: Orphanet 501, MedGen C0751783, MONDO:0009697.
Inborn genetic diseases. Identifiers: MedGen C0950123, MeSH D030342.

Allele frequency attached by ClinVar (database versions not stated): gnomAD 0.00001 and 0.00002; TOPMed 0.00002; gnomAD exomes 0.00003; ESP Exome Variant Server 0.00008.

Submissions (2):

Labcorp Genetics (formerly Invitae), Labcorp
Classification: Uncertain significance for Lafora disease. Last evaluated: 2024-05-15. Review status: criteria provided, single submitter. Criteria: Invitae Variant Classification Sherloc (09022015). Collection method: clinical testing. Allele origin: germline.
Comment: This sequence change replaces arginine, which is basic and polar, with serine, which is neutral and polar, at codon 17 of the NHLRC1 protein (p.Arg17Ser). This variant is present in population databases (rs368134036, gnomAD 0.004%). This variant has not been reported in the literature in individuals affected with NHLRC1-related conditions. ClinVar contains an entry for this variant (Variation ID: 942170). Advanced modeling of protein sequence and biophysical properties (such as structural, functional, and spatial information, amino acid conservation, physicochemical variation, residue mobility, and thermodynamic stability) performed at Invitae indicates that this missense variant is not expected to disrupt NHLRC1 protein function with a negative predictive value of 80%. In summary, the available evidence is currently insufficient to determine the role of this variant in disease. Therefore, it has been classified as a Variant of Uncertain Significance.

Ambry Genetics
Classification: Uncertain significance for Inborn genetic diseases. Last evaluated: 2022-04-07. Review status: criteria provided, single submitter. Criteria: Ambry Variant Classification Scheme 2023. Collection method: clinical testing. Allele origin: germline.

NM_198586.3(NHLRC1):c.49C>A (p.Arg17Ser)

Gene: NHLRC1 (NHL repeat containing E3 ubiquitin protein ligase 1; minus strand). Cytogenetic location: 6p22.3.
Variant type: single nucleotide variant.
Coding change: c.49C>A on transcript NM_198586.3 (MANE Select); coding-DNA position 49, C replaced by A.
Protein change: p.Arg17Ser; replaces arginine 17 with serine.
Molecular consequence: missense variant.
Genome position (GRCh38, 1-based): chr6:18,122,558, G>T on the plus strand (C>A on the coding strand, the complement: NHLRC1 is on the minus strand). VCF-style: chr6-18122558-G-T. GRCh37 (hg19) VCF-style: chr6-18122789-G-T.
Other names: short protein forms R17S.
Identifiers: ClinVar variation 942170 (VCV000942170.9), dbSNP rs368134036, ClinGen allele CA134960119.
Genomic context (GRCh38, chr6:18,122,558, plus strand): 5'-GCCGGTGGCCAAACTTCTCAAAGCACACCTTGCACTCGAGCAGGCTGATCTCCGCCTCGC[G>T]CATGAGCTCATGCAGCGCTGGCCCGCTCTCCGAGGCTTCGGCCGCCATGGCGCGTCCTGT-3'
Protein context (NP_940988.2, residues 7-27): ESGPALHELM[Arg17Ser]EAEISLLECK